The following is an entry in ClinVar:

ClinVar aggregate classification (germline): Conflicting classifications of pathogenicity. Review status: criteria provided, conflicting classifications (1 of 4 stars). 2 submissions from 2 submitters: Likely pathogenic (1); Uncertain significance (1). Last evaluated 2025-10-16.

Conditions:
Argininosuccinate lyase deficiency. Also called: Argininosuccinic aciduria; ARGININOSUCCINIC ACID LYASE DEFICIENCY; ASL DEFICIENCY. Identifiers: Orphanet 23, MedGen C0268547, MONDO:0008815, OMIM 207900, HP:0025630.

Submissions (2):

Myriad Genetics, Inc.
Classification: Uncertain significance for Argininosuccinate lyase deficiency. Last evaluated: 2025-10-16. Review status: criteria provided, single submitter. Criteria: Myriad Autosomal Dominant, Autosomal Recessive and X-Linked Classification Criteria (2023). Collection method: clinical testing. Allele origin: unknown.
Comment: NM_001024943.1(ASL):c.454G>T(D152Y) is a missense variant classified as a variant of uncertain significance in the context of argininosuccinic aciduria. D152Y has not been observed in cases with relevant disease. Relevant functional assessments of this variant are not available in the literature. D152Y has not been observed in referenced population frequency databases. In summary, there is insufficient evidence to classify NM_001024943.1(ASL):c.454G>T(D152Y) as pathogenic or benign. Please note: this variant was assessed in the context of healthy population screening.

Labcorp Genetics (formerly Invitae), Labcorp
Classification: Likely pathogenic for Argininosuccinate lyase deficiency. Last evaluated: 2024-03-16. Review status: criteria provided, single submitter. Criteria: Invitae Variant Classification Sherloc (09022015). Collection method: clinical testing. Allele origin: germline.
Comment: This sequence change replaces aspartic acid, which is acidic and polar, with tyrosine, which is neutral and polar, at codon 152 of the ASL protein (p.Asp152Tyr). This variant is not present in population databases (gnomAD no frequency). This variant has not been reported in the literature in individuals affected with ASL-related conditions. Advanced modeling of protein sequence and biophysical properties (such as structural, functional, and spatial information, amino acid conservation, physicochemical variation, residue mobility, and thermodynamic stability) performed at Invitae indicates that this missense variant is expected to disrupt ASL protein function with a positive predictive value of 95%. This variant disrupts the p.Asp152 amino acid residue in ASL. Other variant(s) that disrupt this residue have been determined to be pathogenic (Invitae). This suggests that this residue is clinically significant, and that variants that disrupt this residue are likely to be disease-causing. In summary, the currently available evidence indicates that the variant is pathogenic, but additional data are needed to prove that conclusively. Therefore, this variant has been classified as Likely Pathogenic.

NM_000048.4(ASL):c.454G>T (p.Asp152Tyr)

Gene: ASL (argininosuccinate lyase; plus strand). Cytogenetic location: 7q11.21.
Variant type: single nucleotide variant.
Coding change: c.454G>T on transcript NM_000048.4 (MANE Select); coding-DNA position 454, G replaced by T.
Protein change: p.Asp152Tyr; replaces aspartic acid 152 with tyrosine.
Molecular consequence: missense variant.
Genome position (GRCh38, 1-based): chr7:66,086,592, G>T. VCF-style: chr7-66086592-G-T. GRCh37 (hg19) VCF-style: chr7-65551579-G-T.
Other names: c.454G>T, p.Asp152Tyr (NM_001024943.2, NM_001024944.2, NM_001024946.2); short protein forms D152Y.
Identifiers: ClinVar variation 3636722 (VCV003636722.3).